The following is an entry in ClinVar:

NM_001267550.2(TTN):c.17499T>C (p.Asp5833=)

Genes: TTN (titin; minus strand), LOC126806431 (CDK7 strongly-dependent group 2 enhancer GRCh37_chr2:179595719-179596918; plus strand). Cytogenetic location: 2q31.2.
Variant type: single nucleotide variant.
Coding change: c.17499T>C on transcript NM_001267550.2 (MANE Select); coding-DNA position 17499, T replaced by C.
Protein change: p.Asp5833=; no amino-acid change (aspartic acid 5833 retained).
Molecular consequence: synonymous variant. On other transcripts: intron variant (3).
Genome position (GRCh38, 1-based): chr2:178,731,166, A>G on the plus strand (T>C on the coding strand, the complement: TTN is on the minus strand). VCF-style: chr2-178731166-A-G. GRCh37 (hg19) VCF-style: chr2-179595893-A-G.
Other names: c.16548T>C, p.Asp5516= (NM_001256850.1); c.13767T>C, p.Asp4589= (NM_133378.4); c.13282+6916T>C (NM_003319.4); c.13858+6916T>C (NM_133437.4); c.13657+6916T>C (NM_133432.3).
Identifiers: ClinVar variation 2651691 (VCV002651691.27), dbSNP rs753044817, ClinGen allele CA2001801.

ClinVar aggregate classification (germline): Likely benign. Review status: criteria provided, multiple submitters, no conflicts (2 of 4 stars). 2 submissions from 2 submitters: Likely benign (2). Last evaluated 2024-10-12.

Conditions:
Autosomal recessive limb-girdle muscular dystrophy type 2J (LGMDR10). Also called: Limb-girdle muscular dystrophy, type 2J; MUSCULAR DYSTROPHY, LIMB-GIRDLE, AUTOSOMAL RECESSIVE 10. Identifiers: Orphanet 140922, MedGen C1837342, MONDO:0012127, OMIM 608807.
Dilated cardiomyopathy 1G (CMD1G). Identifiers: Orphanet 154, MedGen C1858763, MONDO:0011400, OMIM 604145.

Allele frequency attached by ClinVar (database versions not stated): ExAC 0.00001; gnomAD 0.00001; gnomAD exomes 0.00001.
gnomAD v4.1: 9 of 1,613,516 alleles (0.00056%); highest among the groups gnomAD compares: African/African-American, 0.0013%; no homozygotes.

Submissions (2):

Labcorp Genetics (formerly Invitae), Labcorp
Classification: Likely benign for Dilated cardiomyopathy 1G; Autosomal recessive limb-girdle muscular dystrophy type 2J. Last evaluated: 2024-10-12. Review status: criteria provided, single submitter. Criteria: Invitae Variant Classification Sherloc (09022015). Collection method: clinical testing. Allele origin: germline.

CeGaT Center for Human Genetics Tuebingen
Classification: Likely benign. Last evaluated: 2023-06-01. Review status: criteria provided, single submitter. Criteria: CeGaT Center For Human Genetics Tuebingen Variant Classification Criteria Version 2. Collection method: clinical testing. Allele origin: germline. Affected: yes. Observed: 1 variant allele.
Comment: TTN: BP4, BP7